The following is an entry in ClinVar:

ClinVar aggregate classification (germline): Likely benign (1 of 4 stars; one submission).

Submission:

CeGaT Center for Human Genetics Tuebingen
Classification: Likely benign. Last evaluated: 2025-02-01. Review status: criteria provided, single submitter. Criteria: CeGaT Center For Human Genetics Tuebingen Variant Classification Criteria Version 2. Collection method: clinical testing. Allele origin: germline. Affected: yes. Observed: 2 variant alleles.
Comment: LINGO1: PM2:Supporting, BP4, BP7

NM_032808.7(LINGO1):c.516G>T (p.Leu172=)

Gene: LINGO1 (leucine rich repeat and Ig domain containing 1; minus strand). Cytogenetic location: 15q24.3.
Variant type: single nucleotide variant.
Coding change: c.516G>T on transcript NM_032808.7 (MANE Select); coding-DNA position 516, G replaced by T.
Protein change: p.Leu172=; no amino-acid change (leucine 172 retained).
Molecular consequence: synonymous variant.
Genome position (GRCh38, 1-based): chr15:77,615,391, C>A on the plus strand (G>T on the coding strand, the complement: LINGO1 is on the minus strand). VCF-style: chr15-77615391-C-A. GRCh37 (hg19) VCF-style: chr15-77907733-C-A.
Other names: c.498G>T, p.Leu166= (NM_001301186.2, NM_001301187.2, NM_001301189.2 and 8 more transcripts).
Identifiers: ClinVar variation 3771273 (VCV003771273.13).